The following is an entry in ClinVar:

NM_000091.5(COL4A3):c.2313_2330del (p.772LPG[1])

Genes: COL4A3 (collagen type IV alpha 3 chain; plus strand), MFF-DT (MFF divergent transcript; minus strand). Cytogenetic location: 2q36.3.
Variant type: Deletion.
Coding change: c.2313_2330del on transcript NM_000091.5 (MANE Select); coding-DNA positions 2313 to 2330, 18 bases deleted (ACTCCCTGGACTTCCAGG).
Protein change: p.772LPG[1].
Molecular consequence: inframe deletion.
Genome position (GRCh38, 1-based): chr2:227,280,529-227,280,546, ACTCCCTGGACTTCCAGG deleted; deleting any 18 consecutive bases within chr2:227,280,527-227,280,546 gives the same sequence; the c. name uses the placement nearest the transcript's 3' end. VCF-style (leftmost placement, unchanged base first): chr2-227280526-TGGACTCCCTGGACTTCCA-T. GRCh37 (hg19) VCF-style: chr2-228145242-TGGACTCCCTGGACTTCCA-T.
Other names: c.2313_2330del (NM_000091.4).
Identifiers: ClinVar variation 1017230 (VCV001017230.10), dbSNP rs2071889322, ClinGen allele CA915940920.
Genomic context (GRCh38, chr2:227,280,526, plus strand): 5'-AGGACCAGGAACACCAGGTTTTCCAGGAGAAAGAGGCAATTCTGGGGAACATGGAGAAAT[TGGACTCCCTGGACTTCCA>T]GGTCTCCCTGGAACTCCAGGAAATGAAGGGCTTGATGGACCACGAGGTACAATAGCAAGT-3'

ClinVar aggregate classification (germline): Pathogenic/Likely pathogenic. Review status: criteria provided, multiple submitters, no conflicts (2 of 4 stars). 3 submissions from 3 submitters: Pathogenic (2); Likely pathogenic (1). Last evaluated 2025-01-15.

Submissions (3):

ARUP Laboratories, Molecular Genetics and Genomics, ARUP Laboratories
Classification: Likely pathogenic. Last evaluated: 2025-01-15. Review status: criteria provided, single submitter. Criteria: ARUP Molecular Germline Variant Investigation Process 2024. Collection method: clinical testing. Allele origin: germline.
Comment: The COL4A3 c.2313_2330del; p.Leu775_Gly780del variant (rs2071889322, ClinVar Variation ID 1017230) is reported in the literature in multiple individuals with a diagnosis or suspicion of Alport syndrome (Moriniere 2014, Sen 2017, Invitae), including some patients with another COL4A3 variant found in trans (Storey 2013, GeneDx). Additionally, an overlapping in-frame deletion (COL4A3 c.2314â€“2331del; p.Leu772_Gly777del) within the Gly-X-Y region has been detected in a family affected with Alport syndrome and reported to segregate with disease (Mastrangelo 2022). The COL4A3 c.2313_2330del; p.Leu775_Gly780del variant is absent from the Genome Aggregation Database (v2.1.1), indicating it is not a common polymorphism. This variant deletes six amino acids within a collagen triple helix domain leaving the rest of the protein in-frame. Based on available information, this variant is considered to be likely pathogenic. References: Mastrangelo A et al. Heterozygous COL4A3/COL4A4 mutations: the hidden part of the iceberg? Nephrol Dial Transplant. 2022 Nov 23;37(12):2398-2407. PMID: 35090027. Moriniere V et al. Improving mutation screening in familial hematuric nephropathies through next generation sequencing. J Am Soc Nephrol. 2014 Dec;25(12):2740-51. PMID: 24854265. Sen ES et al. Clinical genetic testing using a custom-designed steroid-resistant nephrotic syndrome gene panel: analysis and recommendations. J Med Genet. 2017 Dec;54(12):795-804. PMID: 28780565. Storey H et al. COL4A3/COL4A4 mutations and features in individuals with autosomal recessive Alport syndrome. J Am Soc Nephrol. 2013 Dec;24(12):1945-54. PMID: 24052634.

Labcorp Genetics (formerly Invitae), Labcorp
Classification: Pathogenic. Last evaluated: 2023-05-09. Review status: criteria provided, single submitter. Criteria: Invitae Variant Classification Sherloc (09022015). Collection method: clinical testing. Allele origin: germline.
Comment: For these reasons, this variant has been classified as Pathogenic. ClinVar contains an entry for this variant (Variation ID: 1017230). This variant is also known as 2323_2340del. This variant has been observed in individual(s) with clinical features of Alport syndrome (PMID: 24052634, 24854265). In at least one individual the data is consistent with being in trans (on the opposite chromosome) from a pathogenic variant. This variant is not present in population databases (gnomAD no frequency). This variant, c.2313_2330del, results in the deletion of 6 amino acid(s) of the COL4A3 protein (p.Leu775_Gly780del), but otherwise preserves the integrity of the reading frame.

GeneDx
Classification: Pathogenic. Last evaluated: 2022-09-02. Review status: criteria provided, single submitter. Criteria: GeneDx Variant Classification Process June 2021. Collection method: clinical testing. Allele origin: germline. Affected: yes.
Comment: In-frame deletion of 6 amino acids in a non-repeat region; Not observed at significant frequency in large population cohorts (gnomAD); This variant is associated with the following publications: (PMID: 33226606, 28780565, 24052634)

Literature cited by the submitters: PubMed 24052634 (cited by Labcorp Genetics (formerly Invitae), Labcorp); PubMed 24854265 (cited by Labcorp Genetics (formerly Invitae), Labcorp).